The following is an entry in ClinVar:

NM_000548.5(TSC2):c.5016C>G (p.Ile1672Met)

Gene: TSC2 (TSC complex subunit 2; plus strand). Cytogenetic location: 16p13.3.
Variant type: single nucleotide variant.
Coding change: c.5016C>G on transcript NM_000548.5 (MANE Select); coding-DNA position 5016, C replaced by G.
Protein change: p.Ile1672Met; replaces isoleucine 1672 with methionine.
Molecular consequence: missense variant. On other transcripts: non-coding transcript variant (5).
Genome position (GRCh38, 1-based): chr16:2,087,889, C>G. VCF-style: chr16-2087889-C-G. GRCh37 (hg19) VCF-style: chr16-2137890-C-G.
Other names: c.3540C>G, p.Ile1180Met (NM_001406691.1); c.3474C>G, p.Ile1158Met (NM_001406692.1, NM_001406693.1, NM_001406694.1); c.3471C>G, p.Ile1157Met (NM_001406695.1, NM_001406696.1, NM_001406697.1); c.3213C>G, p.Ile1071Met (NM_001406698.1); c.4887C>G, p.Ile1629Met (NM_021055.3, NM_001370405.1); c.4815C>G, p.Ile1605Met (NM_001077183.3); c.4947C>G, p.Ile1649Met (NM_001114382.3); c.4707C>G, p.Ile1569Met (NM_001318827.2); and 26 more; short protein forms I1158M, I1181M, I1448M, I1557M, I1605M, I1612M, I1616M, I1646M.
Identifiers: ClinVar variation 3462551 (VCV003462551.1).

ClinVar aggregate classification (germline): Uncertain significance (1 of 4 stars; one submission).

Conditions:
Hereditary cancer-predisposing syndrome. Also called: Tumor predisposition; Neoplastic Syndromes, Hereditary; Hereditary neoplastic syndrome; Hereditary Cancer Syndrome. Identifiers: Orphanet 140162, MedGen C0027672, MeSH D009386, MONDO:0015356.

Submission:

Ambry Genetics
Classification: Uncertain significance for Hereditary cancer-predisposing syndrome. Last evaluated: 2024-08-22. Review status: criteria provided, single submitter. Criteria: Ambry Variant Classification Scheme 2023. Collection method: clinical testing. Allele origin: germline.
Comment: The p.I1672M variant (also known as c.5016C>G), located in coding exon 38 of the TSC2 gene, results from a C to G substitution at nucleotide position 5016. The isoleucine at codon 1672 is replaced by methionine, an amino acid with highly similar properties. This amino acid position is conserved. In addition, this alteration is predicted to be deleterious by in silico analysis. Based on the available evidence, the clinical significance of this variant remains unclear.